The following is an entry in ClinVar:

NM_001378477.3(NYX):c.1025T>A (p.Leu342Gln)

Gene: NYX (nyctalopin; plus strand). Cytogenetic location: Xp11.4.
Variant type: single nucleotide variant.
Coding change: c.1025T>A on transcript NM_001378477.3 (MANE Select); coding-DNA position 1025, T replaced by A.
Protein change: p.Leu342Gln; replaces leucine 342 with glutamine.
Molecular consequence: missense variant.
Genome position (GRCh38, 1-based): chrX:41,474,493, T>A. VCF-style: chrX-41474493-T-A. GRCh37 (hg19) VCF-style: chrX-41333746-T-A.
Other names: c.1025T>A, p.Leu342Gln (NM_022567.3); short protein forms L342Q.
Identifiers: ClinVar variation 4995328 (VCV004995328.1).
Genomic context (GRCh38, chrX:41,474,493, plus strand): 5'-TCCTGGGCCGCCTCTTCCTCTTCCGCAACCCGTGGTGCTGCGACTGCCGTCTGGAGTGGC[T>A]GAGGGACTGGATGGAGGGCTCCGGACGTGTCACCGACGTGCCGTGCGCCTCCCCGGGCTC-3'
Protein context (NP_001365406.2, residues 332-352): PWCCDCRLEW[Leu342Gln]RDWMEGSGRV

ClinVar aggregate classification (germline): Uncertain significance (1 of 4 stars; one submission).

Conditions:
NYX-related disorder. Also called: NYX-related condition.

Submission:

PreventionGenetics, part of Exact Sciences
Classification: Uncertain significance for NYX-related condition. Last evaluated: 2025-11-06. Review status: criteria provided, single submitter. Criteria: ACMG Guidelines, 2015. Collection method: clinical testing. Allele origin: germline.
Comment: The NYX c.1040T>A variant is predicted to result in the amino acid substitution p.Leu347Gln. To our knowledge, this variant has not been reported in the literature. This variant is predicted damaging to the encoded protein (Liu et al. 2016. PMID:26555599). This variant is absent in a large population database (gnomAD), indicating this variant is rare. At this time, the clinical significance of this variant is uncertain due to the absence of conclusive functional and genetic evidence.